The following is an entry in ClinVar:

ClinVar aggregate classification (germline): Likely pathogenic (1 of 4 stars; one submission).

Conditions:
Hereditary cancer-predisposing syndrome. Also called: Hereditary Cancer Syndrome; Tumor predisposition; Hereditary neoplastic syndrome; Neoplastic Syndromes, Hereditary. Identifiers: Orphanet 140162, MedGen C0027672, MeSH D009386, MONDO:0015356.

Submission:

Ambry Genetics
Classification: Likely pathogenic for Hereditary cancer-predisposing syndrome. Last evaluated: 2024-07-23. Review status: criteria provided, single submitter. Criteria: Ambry Variant Classification Scheme 2023. Collection method: clinical testing. Allele origin: germline.
Comment: The c.37-1G>A intronic variant results from a G to A substitution one nucleotide upstream from coding exon 2 of the MUTYH gene. In silico splice site analysis predicts that this alteration will weaken the native splice acceptor site and will result in the creation or strengthening of a novel splice acceptor site. The stop codon in the predicted resulting transcript occurs in the 5' end ofthe MUTYH gene. As such, this alteration may escape nonsense-mediated mRNAdecay and/or be prone to rescue by reinitiation (Rivas et al. Science. 2015 May 8;348(6235):666-9; Lindeboom et al. Nat Genet. 2016 Oct;48(10):1112-8; Rhee et al. Sci Rep. 2017 May 10;7(1):1653). The exact functional effect of this alteration is unknown; however, the impacted region is critical for protein function (Ambry internal data). This variant is considered to be rare based on population cohorts in the Genome Aggregation Database (gnomAD). This nucleotide position is highly conserved in available vertebrate species. Based on the majority of available evidence to date, this variant is likely to be pathogenic.

NM_001048174.2(MUTYH):c.-6-1G>A

Gene: MUTYH (mutY DNA glycosylase; minus strand). Cytogenetic location: 1p34.1.
Variant type: single nucleotide variant.
Coding change: c.-6-1G>A on transcript NM_001048174.2 (MANE Select); the canonical splice acceptor site of the intron before 6 bases upstream of the start codon, G replaced by A.
Molecular consequence: splice acceptor variant.
Genome position (GRCh38, 1-based): chr1:45,334,512, C>T on the plus strand (G>A on the coding strand, the complement: MUTYH is on the minus strand). VCF-style: chr1-45334512-C-T. GRCh37 (hg19) VCF-style: chr1-45800184-C-T.
Other names: c.-6-1G>A (NM_001407072.1, NM_001048171.2, NM_001407070.1 and 15 more transcripts); c.-213-1G>A (NM_001350651.2, NM_001407082.1); c.-218-1G>A (NM_001293192.2, NM_001293196.2, NM_001407091.1); c.-277-1G>A (NM_001350650.2); c.37-1G>A (NM_001407073.1, NM_001293190.2, NM_001407069.1 and 2 more transcripts); c.-162-1G>A (NM_001407075.1); c.13-1G>A (NM_001407087.1).
Identifiers: ClinVar variation 3400134 (VCV003400134.1).
Genomic context (GRCh38, chr1:45,334,512, plus strand): 5'-GCTGGCTGCCTGCTTCCTGTGACCACTTCCCACGGCTGCTCGTGGCTTCCTCATGATGGC[C>T]TGAAACAAAAAGACCCAGCCAAAGCAGTCAGTCACAATGAGGCCAAATTTTGAGGCCTTC-3'